The following is an entry in ClinVar:

ClinVar aggregate classification (germline): Uncertain significance (1 of 4 stars; one submission).

Conditions:
Familial thoracic aortic aneurysm and aortic dissection (TAAD). Also called: Thoracic aortic aneurysms and dissections. Identifiers: Orphanet 91387, MedGen C4707243, MONDO:0019625.

Submission:

Ambry Genetics
Classification: Uncertain significance for Familial thoracic aortic aneurysm and aortic dissection. Last evaluated: 2021-11-28. Review status: criteria provided, single submitter. Criteria: Ambry Variant Classification Scheme 2023. Collection method: clinical testing. Allele origin: germline.
Comment: The p.V84G variant (also known as c.251T>G), located in coding exon 2 of the SLC2A10 gene, results from a T to G substitution at nucleotide position 251. The valine at codon 84 is replaced by glycine, an amino acid with dissimilar properties. This amino acid position is conserved. In addition, the in silico prediction for this alteration is inconclusive. Since supporting evidence is limited at this time, the clinical significance of this alteration remains unclear.

NM_030777.4(SLC2A10):c.251T>G (p.Val84Gly)

Gene: SLC2A10 (solute carrier family 2 member 10; plus strand). Cytogenetic location: 20q13.12.
Variant type: single nucleotide variant.
Coding change: c.251T>G on transcript NM_030777.4 (MANE Select); coding-DNA position 251, T replaced by G.
Protein change: p.Val84Gly; replaces valine 84 with glycine.
Molecular consequence: missense variant.
Genome position (GRCh38, 1-based): chr20:46,725,287, T>G. VCF-style: chr20-46725287-T-G. GRCh37 (hg19) VCF-style: chr20-45353926-T-G.
Other names: short protein forms V84G.
Identifiers: ClinVar variation 1792526 (VCV001792526.2), dbSNP rs2515586847, ClinGen allele CA409266656.
Genomic context (GRCh38, chr20:46,725,287, plus strand): 5'-TTGGTGGCTTCCTCATTGACTGCTATGGCAGGAAGCAAGCCATCCTCGGGAGCAACTTGG[T>G]GCTGCTGGCAGGCAGCCTGACCCTGGGCCTGGCTGGTTCCCTGGCCTGGCTGGTCCTGGG-3'
Protein context (NP_110404.1, residues 74-94): RKQAILGSNL[Val84Gly]LLAGSLTLGL